The following is an entry in ClinVar:

NM_000038.6(APC):c.423-677C>T

Gene: APC (APC regulator of WNT signaling pathway; plus strand). Cytogenetic location: 5q22.2.
Variant type: single nucleotide variant.
Coding change: c.423-677C>T on transcript NM_000038.6 (MANE Select); 677 bases into the intron before coding-DNA position 423, C replaced by T.
Molecular consequence: intron variant.
Genome position (GRCh38, 1-based): chr5:112,774,952, C>T. VCF-style: chr5-112774952-C-T. GRCh37 (hg19) VCF-style: chr5-112110649-C-T.
Other names: c.423-677C>T (NM_001354895.2, NM_001127510.3, NM_001354896.2 and 2 more transcripts); c.453-677C>T (NM_001354897.2, NM_001354902.2, NM_001127511.3); c.348-677C>T (NM_001354898.2, NM_001354904.2); c.-613-677C>T (NM_001354906.2); c.246-677C>T (NM_001354900.2, NM_001354901.2, NM_001354905.2).
Identifiers: ClinVar variation 82425 (VCV000082425.2), dbSNP rs77633852, ClinGen allele CA009340.

ClinVar aggregate classification (germline): other (0 of 4 stars; one submission).

Conditions:
Familial colorectal cancer. Identifiers: MedGen CN280943, MONDO:0023113. Disease mechanism: loss of function.

Submission:

Systems Biology Platform Zhejiang California International NanoSystems Institute
Classification: other for Familial colorectal cancer. Review status: no assertion criteria provided. Collection method: not provided. Allele origin: unknown.
ClinVar note: Converted during submission from cancer to other.